The following is an entry in ClinVar:

ClinVar aggregate classification (germline): Likely benign (1 of 4 stars; one submission).

Allele frequency attached by ClinVar (database versions not stated): 1000 Genomes Project 30x 0.00625; 1000 Genomes Project 0.00699; gnomAD 0.01329 and 0.01340; TOPMed 0.01535.
gnomAD v4.1: 2,036 of 152,268 alleles (1.3%); highest among the groups gnomAD compares: Middle Eastern, 5.4%; 32 homozygotes.

Submission:

GeneDx
Classification: Likely benign. Last evaluated: 2018-06-19. Review status: criteria provided, single submitter. Criteria: GeneDx Variant Classification (06012015). Collection method: clinical testing. Allele origin: germline. Affected: yes.
Comment: This variant is considered likely benign or benign based on one or more of the following criteria: it is a conservative change, it occurs at a poorly conserved position in the protein, it is predicted to be benign by multiple in silico algorithms, and/or has population frequency not consistent with disease.

NM_017617.5(NOTCH1):c.2467+177G>A

Gene: NOTCH1 (notch receptor 1; minus strand). Cytogenetic location: 9q34.3.
Variant type: single nucleotide variant.
Coding change: c.2467+177G>A on transcript NM_017617.5 (MANE Select); 177 bases into the intron after coding-DNA position 2467, G replaced by A.
Molecular consequence: intron variant.
Genome position (GRCh38, 1-based): chr9:136,512,844, C>T on the plus strand (G>A on the coding strand, the complement: NOTCH1 is on the minus strand). VCF-style: chr9-136512844-C-T. GRCh37 (hg19) VCF-style: chr9-139407296-C-T.
Identifiers: ClinVar variation 679861 (VCV000679861.1), dbSNP rs180752476, ClinGen allele CA201584828.